The following is an entry in ClinVar:

ClinVar aggregate classification (germline): Conflicting classifications of pathogenicity. Review status: criteria provided, conflicting classifications (1 of 4 stars). 2 submissions from 2 submitters: Uncertain significance (1); Likely benign (1). Last evaluated 2025-04-02.

Conditions:
Cardiomyopathy (CMYO). Also called: Cardiomyopathies. Identifiers: Orphanet 167848, MedGen C0878544, MONDO:0004994, HP:0001638. Inheritance: Various modes of inheritance.
Catecholaminergic polymorphic ventricular tachycardia 1. Also called: VENTRICULAR TACHYCARDIA, STRESS-INDUCED POLYMORPHIC 1; VENTRICULAR TACHYCARDIA, CATECHOLAMINERGIC POLYMORPHIC, 1, WITH OR WITHOUT ATRIAL DYSFUNCTION AND/OR DILATED CARDIOMYOPATHY; RYR2-Related Catecholaminergic Polymorphic Ventricular Tachycardia. Identifiers: Orphanet 3286, MedGen C1631597, MONDO:0011484, OMIM 604772.

Allele frequency attached by ClinVar (database versions not stated): gnomAD exomes 0.00001.
gnomAD v4.1: 9 of 1,613,946 alleles (0.00056%); highest among the groups gnomAD compares: Non-Finnish European, 0.00076%; no homozygotes.

Submissions (2):

Labcorp Genetics (formerly Invitae), Labcorp
Classification: Likely benign for Catecholaminergic polymorphic ventricular tachycardia 1. Last evaluated: 2025-04-02. Review status: criteria provided, single submitter. Criteria: Invitae Variant Classification Sherloc (09022015). Collection method: clinical testing. Allele origin: germline.

Color Diagnostics, LLC DBA Color Health
Classification: Uncertain significance for Cardiomyopathy. Last evaluated: 2023-07-10. Review status: criteria provided, single submitter. Criteria: ACMG Guidelines, 2015. Collection method: clinical testing. Allele origin: germline.
Comment: This variant is located in the RYR2 protein. To our knowledge, functional studies have not been reported for this variant. This variant has not been reported in individuals affected with RYR2-related disorders in the literature. This variant has not been identified in the general population by the Genome Aggregation Database (gnomAD). The available evidence is insufficient to determine the role of this variant in disease conclusively. Therefore, this variant is classified as a Variant of Uncertain Significance.

NM_001035.3(RYR2):c.1989C>G (p.Val663=)

Gene: RYR2 (ryanodine receptor 2; plus strand). Cytogenetic location: 1q43.
Variant type: single nucleotide variant.
Coding change: c.1989C>G on transcript NM_001035.3 (MANE Select); coding-DNA position 1989, C replaced by G.
Protein change: p.Val663=; no amino-acid change (valine 663 retained).
Molecular consequence: synonymous variant.
Genome position (GRCh38, 1-based): chr1:237,496,538, C>G. VCF-style: chr1-237496538-C-G. GRCh37 (hg19) VCF-style: chr1-237659838-C-G.
Identifiers: ClinVar variation 2774256 (VCV002774256.3), dbSNP rs2545834964, ClinGen allele CA424030495.